The following is an entry in ClinVar:

ClinVar aggregate classification (germline): Pathogenic (1 of 4 stars; one submission).

Submission:

Labcorp Genetics (formerly Invitae), Labcorp
Classification: Pathogenic. Last evaluated: 2025-10-13. Review status: criteria provided, single submitter. Criteria: Invitae Variant Classification Sherloc (09022015). Collection method: clinical testing. Allele origin: germline.
Comment: This sequence change creates a premature translational stop signal (p.Thr34Tyrfs*11) in the CTNNA1 gene. It is expected to result in an absent or disrupted protein product. Loss-of-function variants in CTNNA1 are known to be pathogenic (PMID: 32051609, 34425242). This variant is not present in population databases (gnomAD no frequency). This variant has not been reported in the literature in individuals affected with CTNNA1-related conditions. For these reasons, this variant has been classified as Pathogenic.

Literature cited by the submitters: PubMed 32051609; PubMed 34425242.

NM_001903.5(CTNNA1):c.99dup (p.Thr34fs)

Gene: CTNNA1 (catenin alpha 1; plus strand). Cytogenetic location: 5q31.2.
Variant type: Duplication.
Coding change: c.99dup on transcript NM_001903.5 (MANE Select); coding-DNA position 99, one base duplicated (T; older notation c.99dupT).
Protein change: p.Thr34fs; shifts the reading frame from threonine 34.
Molecular consequence: frameshift variant. On other transcripts: 5 prime UTR variant (2).
Genome position (GRCh38, 1-based): chr5:138,782,023, T duplicated; the last of 2 consecutive T bases (chr5:138,782,022-138,782,023); duplicating either gives the same sequence. VCF-style (leftmost placement, unchanged base first): chr5-138782021-G-GT. GRCh37 (hg19) VCF-style: chr5-138117710-G-GT.
Other names: c.99dup, p.Thr34fs (NM_001290307.3, NM_001323982.2, NM_001323983.1 and 3 more transcripts); c.-15dup (NM_001290309.3); c.-108dup (NM_001290310.3); short protein forms T34fs.
Identifiers: ClinVar variation 4729089 (VCV004729089.1).
Genomic context (GRCh38, chr5:138,782,021, plus strand): 5'-TGGGATCCTAAAAGTCTAGAGATCAGGACTCTGGCAGTTGAGAGACTGTTGGAGCCTCTT[G>GT]TTACACAGGTAAGAATCTGAAAACACAAATACATTGTAACATGGTTCTATAGCACAGGCC-3'